The following is an entry in ClinVar:

NM_004423.4(DVL3):c.527C>T (p.Ser176Leu)

Gene: DVL3 (dishevelled segment polarity protein 3; plus strand). Cytogenetic location: 3q27.1.
Variant type: single nucleotide variant.
Coding change: c.527C>T on transcript NM_004423.4 (MANE Select); coding-DNA position 527, C replaced by T.
Protein change: p.Ser176Leu; replaces serine 176 with leucine.
Molecular consequence: missense variant.
Genome position (GRCh38, 1-based): chr3:184,164,859, C>T. VCF-style: chr3-184164859-C-T. GRCh37 (hg19) VCF-style: chr3-183882647-C-T.
Other names: short protein forms S176L.
Identifiers: ClinVar variation 4781598 (VCV004781598.1).

ClinVar aggregate classification (germline): Uncertain significance (1 of 4 stars; one submission).

gnomAD v4.1: 2 of 1,614,078 alleles (0.00012%); highest among the groups gnomAD compares: South Asian, 0.0011%; no homozygotes.

Submission:

Labcorp Genetics (formerly Invitae), Labcorp
Classification: Uncertain significance. Last evaluated: 2025-05-23. Review status: criteria provided, single submitter. Criteria: Invitae Variant Classification Sherloc (09022015). Collection method: clinical testing. Allele origin: germline.
Comment: This sequence change replaces serine, which is neutral and polar, with leucine, which is neutral and non-polar, at codon 176 of the DVL3 protein (p.Ser176Leu). This variant is not present in population databases (gnomAD no frequency). This variant has not been reported in the literature in individuals affected with DVL3-related conditions. Invitae Evidence Modeling of protein sequence and biophysical properties (such as structural, functional, and spatial information, amino acid conservation, physicochemical variation, residue mobility, and thermodynamic stability) indicates that this missense variant is not expected to disrupt DVL3 protein function with a negative predictive value of 80%. In summary, the available evidence is currently insufficient to determine the role of this variant in disease. Therefore, it has been classified as a Variant of Uncertain Significance.